The following is an entry in ClinVar:

ClinVar aggregate classification (germline): Uncertain significance (1 of 4 stars; one submission).

Submission:

Labcorp Genetics (formerly Invitae), Labcorp
Classification: Uncertain significance. Last evaluated: 2021-12-02. Review status: criteria provided, single submitter. Criteria: Invitae Variant Classification Sherloc (09022015). Collection method: clinical testing. Allele origin: germline.
Comment: In summary, the available evidence is currently insufficient to determine the role of this variant in disease. Therefore, it has been classified as a Variant of Uncertain Significance. Variants that disrupt the consensus splice site are a relatively common cause of aberrant splicing (PMID: 17576681, 9536098). Algorithms developed to predict the effect of sequence changes on RNA splicing suggest that this variant may create or strengthen a splice site. This variant has not been reported in the literature in individuals affected with KLF10-related conditions. This variant is not present in population databases (gnomAD no frequency). This sequence change falls in intron 3 of the KLF10 gene. It does not directly change the encoded amino acid sequence of the KLF10 protein. It affects a nucleotide within the consensus splice site.

Literature cited by the submitters: PubMed 17576681; PubMed 9536098.

NM_005655.4(KLF10):c.1183+5C>G

Gene: KLF10 (KLF transcription factor 10; minus strand). Cytogenetic location: 8q22.3.
Variant type: single nucleotide variant.
Coding change: c.1183+5C>G on transcript NM_005655.4 (MANE Select); 5 bases into the intron after coding-DNA position 1183, C replaced by G.
Molecular consequence: intron variant.
Genome position (GRCh38, 1-based): chr8:102,651,144, G>C on the plus strand (C>G on the coding strand, the complement: KLF10 is on the minus strand). VCF-style: chr8-102651144-G-C. GRCh37 (hg19) VCF-style: chr8-103663372-G-C.
Other names: c.1150+5C>G (NM_001032282.4).
Identifiers: ClinVar variation 2184595 (VCV002184595.4), dbSNP rs1477482475, ClinGen allele CA2580078500.
Genomic context (GRCh38, chr8:102,651,144, plus strand): 5'-TAAATGTGTGATCACAGCCAAAATCTCTTCATTTAAACACTAAAGATATAAGAAGTGGCT[G>C]GTACCTGTGTGCGTCCTCGTGTGGGCCTTCAGATGGGAACTTTTAAAGTATGTCTTGCCA-3'